The following is an entry in ClinVar:

NM_000264.5(PTCH1):c.1988A>G (p.Gln663Arg)

Genes: PTCH1 (patched 1; minus strand), LOC100507346 (uncharacterized LOC100507346; plus strand). Cytogenetic location: 9q22.32.
Variant type: single nucleotide variant.
Coding change: c.1988A>G on transcript NM_000264.5 (MANE Select); coding-DNA position 1988, A replaced by G.
Protein change: p.Gln663Arg; replaces glutamine 663 with arginine.
Molecular consequence: missense variant. On other transcripts: non-coding transcript variant (2).
Genome position (GRCh38, 1-based): chr9:95,469,013, T>C on the plus strand (A>G on the coding strand, the complement: PTCH1 is on the minus strand). VCF-style: chr9-95469013-T-C. GRCh37 (hg19) VCF-style: chr9-98231295-T-C.
Other names: c.1790A>G, p.Gln597Arg (NM_001083602.3); c.1985A>G, p.Gln662Arg (NM_001083603.3); c.1535A>G, p.Gln512Arg (NM_001083604.3, NM_001083605.3, NM_001083606.3 and 1 more transcripts); c.1832A>G, p.Gln611Arg (NM_001354918.2); short protein forms Q597R, Q512R, Q662R, Q611R, Q663R.
Identifiers: ClinVar variation 948057 (VCV000948057.13), dbSNP rs1840305709, ClinGen allele CA374115892.

ClinVar aggregate classification (germline): Uncertain significance. Review status: criteria provided, multiple submitters, no conflicts (2 of 4 stars). 3 submissions from 3 submitters: Uncertain significance (3). Last evaluated 2025-04-27.

Conditions:
Hereditary cancer-predisposing syndrome. Also called: Neoplastic Syndromes, Hereditary; Hereditary neoplastic syndrome; Hereditary Cancer Syndrome; Tumor predisposition. Identifiers: Orphanet 140162, MedGen C0027672, MeSH D009386, MONDO:0015356.
Gorlin syndrome. Also called: Nevoid Basal Cell Carcinoma Syndrome; Basal cell nevus syndrome. Identifiers: Orphanet 377, MedGen C0004779, MONDO:0007187.
PTCH1-related disorder. Also called: PTCH1-related disorders; PTCH1-related condition.

Allele frequency attached by ClinVar (database versions not stated): gnomAD exomes below 0.00001; gnomAD 0.00001; TOPMed 0.00001.
gnomAD v4.1: 2 of 1,613,850 alleles (0.00012%); highest among the groups gnomAD compares: Non-Finnish European, 0.00017%; no homozygotes.

Submissions (3):

Labcorp Genetics (formerly Invitae), Labcorp
Classification: Uncertain significance for Gorlin syndrome. Last evaluated: 2025-04-27. Review status: criteria provided, single submitter. Criteria: Invitae Variant Classification Sherloc (09022015). Collection method: clinical testing. Allele origin: germline.
Comment: This sequence change replaces glutamine, which is neutral and polar, with arginine, which is basic and polar, at codon 663 of the PTCH1 protein (p.Gln663Arg). This variant is not present in population databases (gnomAD no frequency). This variant has not been reported in the literature in individuals affected with PTCH1-related conditions. ClinVar contains an entry for this variant (Variation ID: 948057). Invitae Evidence Modeling of protein sequence and biophysical properties (such as structural, functional, and spatial information, amino acid conservation, physicochemical variation, residue mobility, and thermodynamic stability) indicates that this missense variant is not expected to disrupt PTCH1 protein function with a negative predictive value of 95%. In summary, the available evidence is currently insufficient to determine the role of this variant in disease. Therefore, it has been classified as a Variant of Uncertain Significance.

Ambry Genetics
Classification: Uncertain significance for Hereditary cancer-predisposing syndrome. Last evaluated: 2025-03-07. Review status: criteria provided, single submitter. Criteria: Ambry Variant Classification Scheme 2023. Collection method: clinical testing. Allele origin: germline.
Comment: The p.Q663R variant (also known as c.1988A>G), located in coding exon 14 of the PTCH1 gene, results from an A to G substitution at nucleotide position 1988. The glutamine at codon 663 is replaced by arginine, an amino acid with highly similar properties. This amino acid position is highly conserved in available vertebrate species. In addition, the in silico prediction for this alteration is inconclusive. Since supporting evidence is limited at this time, the clinical significance of this alteration remains unclear.

PreventionGenetics, part of Exact Sciences
Classification: Uncertain significance for PTCH1-related condition. Last evaluated: 2022-11-22. Review status: criteria provided, single submitter. Criteria: ACMG Guidelines, 2015. Collection method: clinical testing. Allele origin: germline.
Comment: The PTCH1 c.1988A>G variant is predicted to result in the amino acid substitution p.Gln663Arg. To our knowledge, this variant has not been reported in the literature or in a large population database, indicating this variant is rare. At this time, the clinical significance of this variant is uncertain due to the absence of conclusive functional and genetic evidence.